The following is an entry in ClinVar:

NM_000257.4(MYH7):c.559A>C (p.Asn187His)

Gene: MYH7 (myosin heavy chain 7; minus strand). Cytogenetic location: 14q11.2.
Variant type: single nucleotide variant.
Coding change: c.559A>C on transcript NM_000257.4 (MANE Select); coding-DNA position 559, A replaced by C.
Protein change: p.Asn187His; replaces asparagine 187 with histidine.
Molecular consequence: missense variant.
Genome position (GRCh38, 1-based): chr14:23,431,841, T>G on the plus strand (A>C on the coding strand, the complement: MYH7 is on the minus strand). VCF-style: chr14-23431841-T-G. GRCh37 (hg19) VCF-style: chr14-23901050-T-G.
Other names: c.559A>C, p.Asn187His (NM_001407004.1); short protein forms N187H.
Identifiers: ClinVar variation 2069103 (VCV002069103.4), dbSNP rs2502313981, ClinGen allele CA389052551.
Genomic context (GRCh38, chr14:23,431,841, plus strand): 5'-TCTTGCTGCGGTCCCCAATGGCTGCAATAACAGCAAAGTACTGGATGACCCTCTTGGTGT[T>G]GACTGTCTTCCCTGCTCCGGATTCTCCGCTGTGAAGACAGGGGCTTATTGGGCAGTGAAC-3'
Protein context (NP_000248.2, residues 177-197): TGESGAGKTV[Asn187His]TKRVIQYFAV

ClinVar aggregate classification (germline): Uncertain significance (1 of 4 stars; one submission).

Conditions:
Hypertrophic cardiomyopathy. Also called: HYPERTROPHIC MYOCARDIOPATHY. Identifiers: Orphanet 217569, MedGen C0007194, MeSH D002312, MONDO:0005045, HP:0001639.

Submission:

Labcorp Genetics (formerly Invitae), Labcorp
Classification: Uncertain significance for Hypertrophic cardiomyopathy. Last evaluated: 2022-07-29. Review status: criteria provided, single submitter. Criteria: Invitae Variant Classification Sherloc (09022015). Collection method: clinical testing. Allele origin: germline.
Comment: In summary, the available evidence is currently insufficient to determine the role of this variant in disease. Therefore, it has been classified as a Variant of Uncertain Significance. This variant is found within a region of MYH7 between codons 181 and 937 that contains the majority of the myosin head domain. Missense variants in this region have been shown to be significantly overrepresented in individuals with hypertrophic cardiomyopathy (PMID: 27532257). Algorithms developed to predict the effect of missense changes on protein structure and function are either unavailable or do not agree on the potential impact of this missense change (SIFT: "Deleterious"; PolyPhen-2: "Probably Damaging"; Align-GVGD: "Class C0"). This variant has not been reported in the literature in individuals affected with MYH7-related conditions. This variant is not present in population databases (gnomAD no frequency). This sequence change replaces asparagine, which is neutral and polar, with histidine, which is basic and polar, at codon 187 of the MYH7 protein (p.Asn187His).

Literature cited by the submitters: PubMed 27532257.